The following is an entry in ClinVar:

ClinVar aggregate classification (germline): Uncertain significance. Review status: criteria provided, multiple submitters, no conflicts (2 of 4 stars). 2 submissions from 2 submitters: Uncertain significance (2). Last evaluated 2024-01-23.

Conditions:
Congenital myasthenic syndrome 8. Also called: Myasthenic syndrome, congenital, 8, with pre- and postsynaptic defects; MYASTHENIC SYNDROME, CONGENITAL, DUE TO AGRIN DEFICIENCY. Identifiers: Orphanet 590, MedGen C3808739, MONDO:0014052, OMIM 615120.
Inborn genetic diseases. Identifiers: MedGen C0950123, MeSH D030342.

Allele frequency attached by ClinVar (database versions not stated): gnomAD exomes 0.00001 and 0.00002; ExAC 0.00002; gnomAD 0.00004; TOPMed 0.00004.
gnomAD v4.1: 32 of 1,605,050 alleles (0.002%); highest among the groups gnomAD compares: Admixed American, 0.0067%; no homozygotes.

Submissions (2):

Ambry Genetics
Classification: Uncertain significance for Inborn genetic diseases. Last evaluated: 2024-01-23. Review status: criteria provided, single submitter. Criteria: Ambry Variant Classification Scheme 2023. Collection method: clinical testing. Allele origin: germline.

Labcorp Genetics (formerly Invitae), Labcorp
Classification: Uncertain significance for Congenital myasthenic syndrome 8. Last evaluated: 2023-10-13. Review status: criteria provided, single submitter. Criteria: Invitae Variant Classification Sherloc (09022015). Collection method: clinical testing. Allele origin: germline.
Comment: This sequence change replaces glutamic acid, which is acidic and polar, with lysine, which is basic and polar, at codon 549 of the AGRN protein (p.Glu549Lys). This variant is present in population databases (rs754363785, gnomAD 0.004%). This variant has not been reported in the literature in individuals affected with AGRN-related conditions. ClinVar contains an entry for this variant (Variation ID: 1042594). An algorithm developed to predict the effect of missense changes on protein structure and function (PolyPhen-2) suggests that this variant is likely to be disruptive. In summary, the available evidence is currently insufficient to determine the role of this variant in disease. Therefore, it has been classified as a Variant of Uncertain Significance.

NM_198576.4(AGRN):c.1645G>A (p.Glu549Lys)

Gene: AGRN (agrin; plus strand). Cytogenetic location: 1p36.33.
Variant type: single nucleotide variant.
Coding change: c.1645G>A on transcript NM_198576.4 (MANE Select); coding-DNA position 1645, G replaced by A.
Protein change: p.Glu549Lys; replaces glutamic acid 549 with lysine.
Molecular consequence: missense variant.
Genome position (GRCh38, 1-based): chr1:1,043,579, G>A. VCF-style: chr1-1043579-G-A. GRCh37 (hg19) VCF-style: chr1-978959-G-A.
Other names: c.1645G>A, p.Glu549Lys (NM_001305275.2); c.1330G>A, p.Glu444Lys (NM_001364727.2); c.1645G>A (NM_198576.3); short protein forms E444K, E549K.
Identifiers: ClinVar variation 1042594 (VCV001042594.9), dbSNP rs754363785, ClinGen allele CA508280.